The following is an entry in ClinVar:

NM_001260.3(CDK8):c.1161C>A (p.His387Gln)

Gene: CDK8 (cyclin dependent kinase 8; plus strand). Cytogenetic location: 13q12.13.
Variant type: single nucleotide variant.
Coding change: c.1161C>A on transcript NM_001260.3 (MANE Select); coding-DNA position 1161, C replaced by A.
Protein change: p.His387Gln; replaces histidine 387 with glutamine.
Molecular consequence: missense variant.
Genome position (GRCh38, 1-based): chr13:26,401,516, C>A. VCF-style: chr13-26401516-C-A. GRCh37 (hg19) VCF-style: chr13-26975653-C-A.
Other names: c.1158C>A, p.His386Gln (NM_001318368.2); c.642C>A, p.His214Gln (NM_001346501.2); short protein forms H214Q, H386Q, H387Q.
Identifiers: ClinVar variation 3771447 (VCV003771447.13).
Genomic context (GRCh38, chr13:26,401,516, plus strand): 5'-ACCAATTGAGAAGAACCAGCAGCAGCAGCAGGGCAATAACCACACTAATGGAACTGGCCA[C>A]CCAGGGAATCAAGACAGCAGTCACACACAGGGACCCCCGTTGAAGAAAGTGAGAGTTGTT-3'
Protein context (NP_001251.1, residues 377-397): QGNNHTNGTG[His387Gln]PGNQDSSHTQ

ClinVar aggregate classification (germline): Likely benign (1 of 4 stars; one submission).

gnomAD v4.1: 73 of 1,614,054 alleles (0.0045%); highest among the groups gnomAD compares: Non-Finnish European, 0.006%; no homozygotes.

Submission:

CeGaT Center for Human Genetics Tuebingen
Classification: Likely benign. Last evaluated: 2024-12-01. Review status: criteria provided, single submitter. Criteria: CeGaT Center For Human Genetics Tuebingen Variant Classification Criteria Version 2. Collection method: clinical testing. Allele origin: germline. Affected: yes. Observed: 1 variant allele.
Comment: CDK8: PP2, BS2